The following is an entry in ClinVar:

ClinVar aggregate classification (germline): Uncertain significance (1 of 4 stars; one submission).

gnomAD v4.1: 1 of 1,614,190 alleles (0.000062%); highest among the groups gnomAD compares: Admixed American, 0.0017%; no homozygotes.

Submission:

GeneDx
Classification: Uncertain significance. Last evaluated: 2019-03-04. Review status: criteria provided, single submitter. Criteria: GeneDx Variant Classification Process June 2021. Collection method: clinical testing. Allele origin: germline. Affected: yes.
Comment: Has not been previously published as pathogenic or benign to our knowledge; Not observed at a significant frequency in large population cohorts (Lek et al., 2016); In silico analysis, which includes protein predictors and evolutionary conservation, supports a deleterious effect

NM_006514.4(SCN10A):c.1146C>G (p.Phe382Leu)

Gene: SCN10A (sodium voltage-gated channel alpha subunit 10; minus strand). Cytogenetic location: 3p22.2.
Variant type: single nucleotide variant.
Coding change: c.1146C>G on transcript NM_006514.4 (MANE Select); coding-DNA position 1146, C replaced by G.
Protein change: p.Phe382Leu; replaces phenylalanine 382 with leucine.
Molecular consequence: missense variant.
Genome position (GRCh38, 1-based): chr3:38,756,818, G>C on the plus strand (C>G on the coding strand, the complement: SCN10A is on the minus strand). VCF-style: chr3-38756818-G-C. GRCh37 (hg19) VCF-style: chr3-38798309-G-C.
Other names: c.1146C>G, p.Phe382Leu (NM_001293306.2, NM_001293307.2); short protein forms F382L.
Identifiers: ClinVar variation 1307454 (VCV001307454.2), dbSNP rs1362320697, ClinGen allele CA352169869.